The following is an entry in ClinVar:

NM_000187.4(HGD):c.875A>G (p.His292Arg)

Gene: HGD (homogentisate 1,2-dioxygenase; minus strand). Cytogenetic location: 3q13.33.
Variant type: single nucleotide variant.
Coding change: c.875A>G on transcript NM_000187.4 (MANE Select); coding-DNA position 875, A replaced by G.
Protein change: p.His292Arg; replaces histidine 292 with arginine.
Molecular consequence: missense variant.
Genome position (GRCh38, 1-based): chr3:120,641,593, T>C on the plus strand (A>G on the coding strand, the complement: HGD is on the minus strand). VCF-style: chr3-120641593-T-C. GRCh37 (hg19) VCF-style: chr3-120360440-T-C.
Other names: short protein forms H292R.
Identifiers: ClinVar variation 2627710 (VCV002627710.1), dbSNP rs2472681003, ClinGen allele CA354073857.
Genomic context (GRCh38, chr3:120,641,593, plus strand): 5'-ACCCCTCCCACCCAAGCGTTGCCTCATCCCAAGGCCCCTACAGGGTTCAGACTTACTGCA[T>C]GGTCAAAGGCCACTGAGTTGATAACCATGAAATTCTTCAGGTTGTACTTGTAGGGTGTAT-3'
Protein context (NP_000178.2, residues 282-302): FMVINSVAFD[His292Arg]ADPSIFTVLT

ClinVar aggregate classification (germline): Pathogenic (0 of 4 stars; one submission).

Conditions:
Alkaptonuria (AKU). Also called: Alkaptonuric ochronosis; Homogentisic acidura; Alcaptonuria; HOMOGENTISIC ACID OXIDASE DEFICIENCY. Identifiers: Orphanet 56, MedGen C0002066, MONDO:0008753, OMIM 203500.

Allele frequency attached by ClinVar (database versions not stated): gnomAD exomes 0.00001.
gnomAD v4.1: 11 of 1,610,542 alleles (0.00068%); highest among the groups gnomAD compares: Non-Finnish European, 0.00093%; no homozygotes.

Submission:

Department Of Human Genetics, Institute Of Clinical And Translational Research, Biomedical Research Center, Slovak Academy Of Sciences
Classification: Pathogenic for Alkaptonuria. Review status: no assertion criteria provided. Collection method: research. Allele origin: germline. Inheritance: Autosomal recessive inheritance. Affected: yes. Observed: 1 variant allele.
Comment: The variant was originally described in AKU patient in PMID:11001939. It has been submitted to the HGD gene mutation database (DB-ID: AKU_00082).

Literature cited by the submitters: PubMed 11001939.